The following is an entry in ClinVar:

NM_000321.3(RB1):c.1675del (p.Glu559fs)

Gene: RB1 (RB transcriptional corepressor 1; plus strand). Cytogenetic location: 13q14.2.
Variant type: Deletion.
Coding change: c.1675del on transcript NM_000321.3 (MANE Select); coding-DNA position 1675, one base deleted (G; older notation c.1675delG).
Protein change: p.Glu559fs; shifts the reading frame from glutamic acid 559.
Molecular consequence: frameshift variant.
Genome position (GRCh38, 1-based): chr13:48,381,423, G deleted; the last of 2 consecutive G bases (chr13:48,381,422-48,381,423); deleting either gives the same sequence. VCF-style (leftmost placement, unchanged base first): chr13-48381421-TG-T. GRCh37 (hg19) VCF-style: chr13-48955557-TG-T.
Other names: short protein forms E559fs.
Identifiers: ClinVar variation 1453707 (VCV001453707.6), dbSNP rs2138145739, ClinGen allele CA2573149616.

ClinVar aggregate classification (germline): Pathogenic (1 of 4 stars; one submission).

Conditions:
Retinoblastoma (RB1). Also called: RETINOBLASTOMA, SOMATIC. Identifiers: Orphanet 790, MedGen C0035335, MeSH D012175, MONDO:0008380, OMIM 180200, HP:0009919. Disease mechanism: loss of function. Inheritance: Both sporadic and heritable forms are tested..

Submission:

Labcorp Genetics (formerly Invitae), Labcorp
Classification: Pathogenic for Retinoblastoma. Last evaluated: 2021-07-28. Review status: criteria provided, single submitter. Criteria: Invitae Variant Classification Sherloc (09022015). Collection method: clinical testing. Allele origin: germline.
Comment: This sequence change creates a premature translational stop signal (p.Glu559Asnfs*52) in the RB1 gene. It is expected to result in an absent or disrupted protein product. Loss-of-function variants in RB1 are known to be pathogenic (PMID: 17096365). This variant is not present in population databases (ExAC no frequency). This variant has not been reported in the literature in individuals affected with RB1-related conditions. For these reasons, this variant has been classified as Pathogenic.

Literature cited by the submitters: PubMed 17096365.